The following is an entry in ClinVar:

NM_207037.2(TCF12):c.1703_1711del (p.Ser568_Lys571delinsTer)

Gene: TCF12 (transcription factor 12; plus strand). Cytogenetic location: 15q21.3.
Variant type: Deletion.
Coding change: c.1703_1711del on transcript NM_207037.2 (MANE Select); coding-DNA positions 1703 to 1711, 9 bases deleted (CCTCCCAAA; older notation c.1703_1711delCCTCCCAAA).
Protein change: p.Ser568_Lys571delinsTer.
Molecular consequence: nonsense.
Genome position (GRCh38, 1-based): chr15:57,263,232-57,263,240, CCTCCCAAA deleted. VCF-style (leftmost placement, unchanged base first): chr15-57263231-TCCTCCCAAA-T. GRCh37 (hg19) VCF-style: chr15-57555429-TCCTCCCAAA-T.
Other names: c.1193_1201del, p.Ser398_Lys401delinsTer (NM_001306219.3); c.923_931del, p.Ser308_Lys311delinsTer (NM_001306220.3); c.1703_1711del, p.Ser568_Lys571delinsTer (NM_001322151.2, NM_001322152.2, NM_001322159.3 and 2 more transcripts); c.1046_1054del, p.Ser349_Lys352delinsTer (NM_001322154.2); c.1529_1537del, p.Ser510_Lys513delinsTer (NM_001322156.2); c.1631_1639del, p.Ser544_Lys547delinsTer (NM_001322157.3, NM_001322165.2, NM_003205.4 and 1 more transcripts); c.1457_1465del, p.Ser486_Lys489delinsTer (NM_001322158.2); c.1700_1708del, p.Ser567_Lys570delinsTer (NM_001322161.2); and 2 more.
Identifiers: ClinVar variation 1691342 (VCV001691342.2), dbSNP rs2152060795, ClinGen allele CA2573151014.

ClinVar aggregate classification (germline): Pathogenic (1 of 4 stars; one submission).

Submission:

Seattle Children's Hospital Molecular Genetics Laboratory, Seattle Children's Hospital
Classification: Pathogenic. Review status: criteria provided, single submitter. Criteria: ACMG Guidelines, 2015. Collection method: clinical testing. Allele origin: germline. Affected: yes.
Comment: The c.1703_1711del9 pathogenic variant is located in exon 18 of 21 of the TCF12 gene. The deletion of 9 nucleotides introduces a premature stop codon and is predicted to cause a loss of protein function. The variant is absent from the general population (0 of >248,000 alleles tested; GnomAD v2.1). This specific variant has not been reported in the literature or patient databases; however, other TCF12 nonsense and frameshift variants within exon 18 have been reported as pathogenic in individuals with craniosynostosis (PMID: 23354436, 29215649).